The following is an entry in ClinVar:

ClinVar aggregate classification (germline): Likely benign. Review status: criteria provided, single submitter (1 of 4 stars). 2 submissions from 2 submitters: Likely benign (1). 1 of the submissions does not count toward it. Last evaluated 2026-01-14.

Conditions:
LAMA2-related disorder. Also called: LAMA2-related condition; LAMA2-related disorders.
LAMA2-related muscular dystrophy (LAMA2-RD). Also called: Laminin alpha 2-related dystrophy. Identifiers: MedGen C5679788, MONDO:0100228.

Allele frequency attached by ClinVar (database versions not stated): gnomAD exomes 0.00004 and 0.00018; gnomAD 0.00005; ExAC 0.00011; TOPMed 0.00016.

Submissions (2):

Labcorp Genetics (formerly Invitae), Labcorp
Classification: Likely benign for LAMA2-related muscular dystrophy. Last evaluated: 2026-01-14. Review status: criteria provided, single submitter. Criteria: Invitae Variant Classification Sherloc (09022015). Collection method: clinical testing. Allele origin: germline.

PreventionGenetics, part of Exact Sciences
Classification: Likely benign for LAMA2-related condition. Last evaluated: 2019-06-04. Review status: no assertion criteria provided. Collection method: clinical testing. Allele origin: germline. Not counted in ClinVar's aggregate classification.
Comment: This variant is classified as likely benign based on ACMG/AMP sequence variant interpretation guidelines (Richards et al. 2015 PMID: 25741868, with internal and published modifications).

NM_000426.4(LAMA2):c.9367_*1dup (p.Ter3123=)

Gene: LAMA2 (laminin subunit alpha 2; plus strand). Cytogenetic location: 6q22.33.
Variant type: Duplication.
Coding change: c.9367_*1dup on transcript NM_000426.4 (MANE Select); coding-DNA position 9367 through 1 bases downstream of the stop codon, 4 bases duplicated (TAAT; older notation c.9367_*1dupTAAT).
Protein change: p.Ter3123=.
Molecular consequence: no sequence alteration.
Genome position (GRCh38, 1-based): chr6:129,516,345-129,516,348, TAAT duplicated. VCF-style (leftmost placement, unchanged base first): chr6-129516344-C-CTAAT. GRCh37 (hg19) VCF-style: chr6-129837489-C-CTAAT.
Other names: c.9355_*1dup, p.Ter3119= (NM_001079823.2).
Identifiers: ClinVar variation 1032351 (VCV001032351.12), dbSNP rs772463361, ClinGen allele CA3995112.